The following is an entry in ClinVar:

NM_000038.6(APC):c.1743+688T>G

Gene: APC (APC regulator of WNT signaling pathway; plus strand). Cytogenetic location: 5q22.2.
Variant type: single nucleotide variant.
Coding change: c.1743+688T>G on transcript NM_000038.6 (MANE Select); 688 bases into the intron after coding-DNA position 1743, T replaced by G.
Molecular consequence: intron variant.
Genome position (GRCh38, 1-based): chr5:112,829,660, T>G. VCF-style: chr5-112829660-T-G. GRCh37 (hg19) VCF-style: chr5-112165357-T-G.
Other names: c.1743+688T>G (NM_001354895.2, NM_001127510.3); c.1773+688T>G (NM_001354897.2); c.1470+688T>G (NM_001354902.2); c.1689+688T>G (NM_001127511.3); c.1668+688T>G (NM_001354898.2); c.1365+688T>G (NM_001354904.2); c.894+688T>G (NM_001354906.2); c.1797+688T>G (NM_001354896.2); and 5 more.
Identifiers: ClinVar variation 82588 (VCV000082588.2), dbSNP rs77471185, ClinGen allele CA005702.
Genomic context (GRCh38, chr5:112,829,660, plus strand): 5'-TTTGCTGGGGCTGACCTGTGCACTGTAGATTGTTTAGCAGCATCCCTGGCCTTTGCCAAC[T>G]GGCTGCCAGTATACCCTCCCCCTAGTTATGCCGATCAAAATTGTCTCCAGATACTGTCAG-3'

ClinVar aggregate classification (germline): other (0 of 4 stars; one submission).

Conditions:
Familial colorectal cancer. Identifiers: MedGen CN280943, MONDO:0023113. Disease mechanism: loss of function.

Submission:

Systems Biology Platform Zhejiang California International NanoSystems Institute
Classification: other for Familial colorectal cancer. Review status: no assertion criteria provided. Collection method: not provided. Allele origin: unknown.
ClinVar note: Converted during submission from cancer to other.